The following is an entry in ClinVar:

NM_001288833.2(GGT1):c.1125G>A (p.Thr375=)

Gene: GGT1 (gamma-glutamyltransferase 1; plus strand). Cytogenetic location: 22q11.23.
Variant type: single nucleotide variant.
Coding change: c.1125G>A on transcript NM_001288833.2 (MANE Select); coding-DNA position 1125, G replaced by A.
Protein change: p.Thr375=; no amino-acid change (threonine 375 retained).
Molecular consequence: synonymous variant.
Genome position (GRCh38, 1-based): chr22:24,627,536, G>A. VCF-style: chr22-24627536-G-A. GRCh37 (hg19) VCF-style: chr22-25023503-G-A.
Other names: c.1125G>A, p.Thr375= (NM_013421.3, NM_013430.3).
Identifiers: ClinVar variation 5039302 (VCV005039302.1).

ClinVar aggregate classification (germline): Likely benign (1 of 4 stars; one submission).

gnomAD v4.1: 134 of 1,611,670 alleles (0.0083%); highest among the groups gnomAD compares: Admixed American, 0.078%; no homozygotes.

Submission:

CeGaT Center for Human Genetics Tuebingen
Classification: Likely benign. Last evaluated: 2026-07-01. Review status: criteria provided, single submitter. Criteria: CeGaT Center For Human Genetics Tuebingen Variant Classification Criteria Version 2. Collection method: clinical testing. Allele origin: germline. Affected: yes. Observed: 1 variant allele.
Comment: GGT1: BP4, BP7